The following is an entry in ClinVar:

NM_000070.3(CAPN3):c.286C>T (p.Gln96Ter)

Gene: CAPN3 (calpain 3; plus strand). Cytogenetic location: 15q15.1.
Variant type: single nucleotide variant.
Coding change: c.286C>T on transcript NM_000070.3 (MANE Select); coding-DNA position 286, C replaced by T.
Protein change: p.Gln96Ter; replaces glutamine 96 with a stop codon.
Molecular consequence: nonsense.
Genome position (GRCh38, 1-based): chr15:42,360,091, C>T. VCF-style: chr15-42360091-C-T. GRCh37 (hg19) VCF-style: chr15-42652289-C-T.
Other names: c.286C>T, p.Gln96Ter (NM_024344.2, NM_173087.2); short protein forms Q96*.
Identifiers: ClinVar variation 1075864 (VCV001075864.7), dbSNP rs1476836379, ClinGen allele CA391995242.
Genomic context (GRCh38, chr15:42,360,091, plus strand): 5'-GTGGACCCTGAGTTCCCACCGGATGAGACCTCTCTCTTTTATAGCCAGAAGTTCCCCATC[C>T]AGTTCGTCTGGAAGAGACCTCCGGTGAGTAGCTTCCTGCTTGCTGGCTGGGTTTTCCCCC-3'

ClinVar aggregate classification (germline): Pathogenic (1 of 4 stars; one submission).

Conditions:
Autosomal recessive limb-girdle muscular dystrophy type 2A (LGMDR1). Also called: Limb-girdle muscular dystrophy, type 2A; Calpainopathy; LEYDEN-MOEBIUS MUSCULAR DYSTROPHY; MUSCULAR DYSTROPHY, PELVOFEMORAL; Muscular dystrophy, limb-girdle, type 2A, Amish. Identifiers: Orphanet 267, MedGen C1869123, MONDO:0009675, OMIM 253600. Disease mechanism: loss of function.

Submission:

Labcorp Genetics (formerly Invitae), Labcorp
Classification: Pathogenic for Autosomal recessive limb-girdle muscular dystrophy type 2A. Last evaluated: 2021-07-28. Review status: criteria provided, single submitter. Criteria: Invitae Variant Classification Sherloc (09022015). Collection method: clinical testing. Allele origin: germline.
Comment: This variant is not present in population databases (ExAC no frequency). This sequence change creates a premature translational stop signal (p.Gln96*) in the CAPN3 gene. It is expected to result in an absent or disrupted protein product. This variant has not been reported in the literature in individuals with CAPN3-related conditions. For these reasons, this variant has been classified as Pathogenic. Loss-of-function variants in CAPN3 are known to be pathogenic (PMID: 10330340, 15689361).

Literature cited by the submitters: PubMed 10330340; PubMed 15689361.